The following is an entry in ClinVar:

ClinVar aggregate classification (germline): Uncertain significance (1 of 4 stars; one submission).

Conditions:
Inborn genetic diseases. Identifiers: MedGen C0950123, MeSH D030342.

Submission:

Ambry Genetics
Classification: Uncertain significance for Inborn genetic diseases. Last evaluated: 2025-04-04. Review status: criteria provided, single submitter. Criteria: Ambry Variant Classification Scheme 2023. Collection method: clinical testing. Allele origin: germline.
Comment: The p.S167N variant (also known as c.500G>A), located in coding exon 4 of the ELANE gene, results from a G to A substitution at nucleotide position 500. The serine at codon 167 is replaced by asparagine, an amino acid with highly similar properties. This amino acid position is conserved. In addition, this alteration is predicted to be tolerated by in silico analysis. Based on the available evidence, the clinical significance of this variant remains unclear.

NM_001972.4(ELANE):c.500G>A (p.Ser167Asn)

Gene: ELANE (elastase, neutrophil expressed; plus strand). Cytogenetic location: 19p13.3.
Variant type: single nucleotide variant.
Coding change: c.500G>A on transcript NM_001972.4 (MANE Select); coding-DNA position 500, G replaced by A.
Protein change: p.Ser167Asn; replaces serine 167 with asparagine.
Molecular consequence: missense variant.
Genome position (GRCh38, 1-based): chr19:855,697, G>A. VCF-style: chr19-855697-G-A. GRCh37 (hg19) VCF-style: chr19-855697-G-A.
Other names: short protein forms S167N.
Identifiers: ClinVar variation 4017375 (VCV004017375.1).